The following is an entry in ClinVar:

NM_001378743.1(CYLD):c.777A>G (p.Glu259=)

Gene: CYLD (CYLD lysine 63 deubiquitinase; plus strand). Cytogenetic location: 16q12.1.
Variant type: single nucleotide variant.
Coding change: c.777A>G on transcript NM_001378743.1 (MANE Select); coding-DNA position 777, A replaced by G.
Protein change: p.Glu259=; no amino-acid change (glutamic acid 259 retained).
Molecular consequence: synonymous variant. On other transcripts: non-coding transcript variant (1).
Genome position (GRCh38, 1-based): chr16:50,751,876, A>G. VCF-style: chr16-50751876-A-G. GRCh37 (hg19) VCF-style: chr16-50785787-A-G.
Other names: c.777A>G, p.Glu259= (NM_001042355.2, NM_001042412.3, NM_001378744.1 and 10 more transcripts); c.111A>G, p.Glu37= (NM_001378754.1, NM_001378755.1).
Identifiers: ClinVar variation 2646514 (VCV002646514.24), dbSNP rs748510262, ClinGen allele CA8052236.

ClinVar aggregate classification (germline): Likely benign (1 of 4 stars; one submission).

Allele frequency attached by ClinVar (database versions not stated): TOPMed below 0.00001; ExAC 0.00001; gnomAD 0.00001; gnomAD exomes 0.00001.
gnomAD v4.1: 12 of 1,612,100 alleles (0.00074%); highest among the groups gnomAD compares: Middle Eastern, 0.033%; no homozygotes.

Submission:

CeGaT Center for Human Genetics Tuebingen
Classification: Likely benign. Last evaluated: 2022-11-01. Review status: criteria provided, single submitter. Criteria: CeGaT Center For Human Genetics Tuebingen Variant Classification Criteria Version 2. Collection method: clinical testing. Allele origin: germline. Affected: yes. Observed: 1 variant allele.
Comment: CYLD: BP4, BP7